The following is an entry in ClinVar:

NM_001844.5(COL2A1):c.1941+1G>A

Gene: COL2A1 (collagen type II alpha 1 chain; minus strand). Cytogenetic location: 12q13.11.
Variant type: single nucleotide variant.
Coding change: c.1941+1G>A on transcript NM_001844.5 (MANE Select); the canonical splice donor site of the intron after coding-DNA position 1941, G replaced by A.
Molecular consequence: splice donor variant.
Genome position (GRCh38, 1-based): chr12:47,984,086, C>T on the plus strand (G>A on the coding strand, the complement: COL2A1 is on the minus strand). VCF-style: chr12-47984086-C-T. GRCh37 (hg19) VCF-style: chr12-48377869-C-T.
Other names: c.1734+1G>A (NM_033150.3).
Identifiers: ClinVar variation 431968 (VCV000431968.5), dbSNP rs1555166808, ClinGen allele CA384548731.

ClinVar aggregate classification (germline): Pathogenic/Likely pathogenic. Review status: criteria provided, multiple submitters, no conflicts (2 of 4 stars). 2 submissions from 2 submitters: Pathogenic (1); Likely pathogenic (1). Last evaluated 2022-10-27.

Submissions (2):

Labcorp Genetics (formerly Invitae), Labcorp
Classification: Pathogenic. Last evaluated: 2022-10-27. Review status: criteria provided, single submitter. Criteria: Invitae Variant Classification Sherloc (09022015). Collection method: clinical testing. Allele origin: germline.
Comment: For these reasons, this variant has been classified as Pathogenic. Algorithms developed to predict the effect of sequence changes on RNA splicing suggest that this variant may disrupt the consensus splice site. ClinVar contains an entry for this variant (Variation ID: 431968). Disruption of this splice site has been observed in individuals with clinical features of Stickler syndrome (PMID: 16752401; Invitae). This variant is not present in population databases (gnomAD no frequency). This sequence change affects a donor splice site in intron 29 of the COL2A1 gene. It is expected to disrupt RNA splicing. Variants that disrupt the donor or acceptor splice site typically lead to a loss of protein function (PMID: 16199547), and loss-of-function variants in COL2A1 are known to be pathogenic (PMID: 20179744).

GeneDx
Classification: Likely pathogenic. Last evaluated: 2017-06-27. Review status: criteria provided, single submitter. Criteria: GeneDx Variant Classification (06012015). Collection method: clinical testing. Allele origin: germline. Affected: yes.
Comment: The c.1941+1 G>A variant in the COL2A1 gene has been reported previously in one family where four of five individuals with this variant were diagnosed with Stickler syndrome, type 1, although specific clinical details and segregation information were not provided (Richards et al., 2006). The c.1941+1 G>A variant was not observed in large population cohorts (Lek et al., 2016; 1000 Genomes Consortium et al., 2015; Exome Variant Server). In silico splice prediction programs predict this variant destroys the splice donor site of intron 29 of the COL2A1 gene. However, in the absence of functional mRNA studies, the physiological consequence of this variant cannot be precisely determined. Thus, this variant is likely pathogenic.

Literature cited by the submitters: PubMed 16752401 (cited by Labcorp Genetics (formerly Invitae), Labcorp); PubMed 16199547 (cited by Labcorp Genetics (formerly Invitae), Labcorp); PubMed 20179744 (cited by Labcorp Genetics (formerly Invitae), Labcorp).